The following is an entry in ClinVar:

ClinVar aggregate classification (germline): Uncertain significance (1 of 4 stars; one submission).

Conditions:
Early-infantile DEE. Also called: Early infantile epileptic encephalopathy with suppression bursts; Early infantile epileptic encephalopathy; Ohtahara syndrome. Identifiers: Orphanet 1934, MedGen C0393706, MONDO:0800491.

Allele frequency attached by ClinVar (database versions not stated): gnomAD exomes 0.00001.
gnomAD v4.1: 13 of 1,523,490 alleles (0.00085%); highest among the groups gnomAD compares: Non-Finnish European, 0.0011%; no homozygotes.

Submission:

Labcorp Genetics (formerly Invitae), Labcorp
Classification: Uncertain significance for Early-infantile DEE. Last evaluated: 2023-01-24. Review status: criteria provided, single submitter. Criteria: Invitae Variant Classification Sherloc (09022015). Collection method: clinical testing. Allele origin: germline.
Comment: In summary, the available evidence is currently insufficient to determine the role of this variant in disease. Therefore, it has been classified as a Variant of Uncertain Significance. Algorithms developed to predict the effect of missense changes on protein structure and function (SIFT, PolyPhen-2, Align-GVGD) all suggest that this variant is likely to be tolerated. ClinVar contains an entry for this variant (Variation ID: 937276). This variant has not been reported in the literature in individuals affected with KCNQ2-related conditions. The frequency data for this variant in the population databases is considered unreliable, as metrics indicate poor data quality at this position in the gnomAD database. This sequence change replaces alanine, which is neutral and non-polar, with valine, which is neutral and non-polar, at codon 747 of the KCNQ2 protein (p.Ala747Val).

NM_172107.4(KCNQ2):c.2240C>T (p.Ala747Val)

Gene: KCNQ2 (potassium voltage-gated channel subfamily Q member 2; minus strand). Cytogenetic location: 20q13.33.
Variant type: single nucleotide variant.
Coding change: c.2240C>T on transcript NM_172107.4 (MANE Select); coding-DNA position 2240, C replaced by T.
Protein change: p.Ala747Val; replaces alanine 747 with valine.
Molecular consequence: missense variant.
Genome position (GRCh38, 1-based): chr20:63,407,023, G>A on the plus strand (C>T on the coding strand, the complement: KCNQ2 is on the minus strand). VCF-style: chr20-63407023-G-A. GRCh37 (hg19) VCF-style: chr20-62038376-G-A.
Other names: c.2294C>T, p.Ala765Val (NM_001382235.1); c.2156C>T, p.Ala719Val (NM_004518.6); c.2186C>T, p.Ala729Val (NM_172106.3); c.2147C>T, p.Ala716Val (NM_172108.5); short protein forms A716V, A729V, A719V, A765V, A747V.
Identifiers: ClinVar variation 937276 (VCV000937276.9), dbSNP rs1244838198, ClinGen allele CA409638288.